The following is an entry in ClinVar:

ClinVar aggregate classification (germline): Benign. Review status: criteria provided, multiple submitters, no conflicts (2 of 4 stars). 2 submissions from 2 submitters: Benign (2). Last evaluated 2018-01-13.

Conditions:
Holt-Oram syndrome (HOS). Also called: TBX5-Related Holt-Oram Syndrome; Ventriculo-radial syndrome; Cardiac-limb syndrome; Heart-hand syndrome, type 1. Identifiers: Orphanet 392, MedGen C0265264, MONDO:0007732, OMIM 142900.

Allele frequency attached by ClinVar (database versions not stated): 1000 Genomes Project 0.03554; 1000 Genomes Project 30x 0.03732; TOPMed 0.04273; gnomAD exomes 0.00299; gnomAD 0.03733 and 0.04016.
gnomAD v4.1: 8,183 of 985,328 alleles (0.83%); highest among the groups gnomAD compares: African/African-American, 13%; 505 homozygotes.

Submissions (2):

Illumina Laboratory Services, Illumina
Classification: Benign for Holt-Oram syndrome. Last evaluated: 2018-01-13. Review status: criteria provided, single submitter. Criteria: ICSL Variant Classification Criteria 13 December 2019. Collection method: clinical testing. Allele origin: germline.
Comment: This variant was observed in the ICSL laboratory as part of a predisposition screen in an ostensibly healthy population. It had not been previously curated by ICSL or reported in the Human Gene Mutation Database (HGMD: prior to June 1st, 2018), and was therefore a candidate for classification through an automated scoring system. Utilizing variant allele frequency, disease prevalence and penetrance estimates, and inheritance mode, an automated score was calculated to assess if this variant is too frequent to cause the disease. Based on the score and internal cut-off values, a variant classified as benign is not then subjected to further curation. The score for this variant resulted in a classification of benign for this disease.

GeneDx
Classification: Benign. Last evaluated: 2017-08-30. Review status: criteria provided, single submitter. Criteria: GeneDx Variant Classification (06012015). Collection method: clinical testing. Allele origin: germline. Affected: yes.
Comment: This variant is considered likely benign or benign based on one or more of the following criteria: it is a conservative change, it occurs at a poorly conserved position in the protein, it is predicted to be benign by multiple in silico algorithms, and/or has population frequency not consistent with disease.

NM_000192.3(TBX5):c.-39+12C>A

Gene: TBX5 (T-box transcription factor 5; minus strand). Cytogenetic location: 12q24.21.
Variant type: single nucleotide variant.
Coding change: c.-39+12C>A on transcript NM_000192.3; 12 bases into the intron after 39 bases upstream of the start codon, C replaced by A.
Molecular consequence: intron variant.
Genome position (GRCh38, 1-based): chr12:114,407,802, G>T on the plus strand (C>A on the coding strand, the complement: TBX5 is on the minus strand). VCF-style: chr12-114407802-G-T. GRCh37 (hg19) VCF-style: chr12-114845607-G-T.
Other names: c.-4+12C>A (NM_080717.4).
Identifiers: ClinVar variation 307313 (VCV000307313.7), dbSNP rs11837917, ClinGen allele CA10641043.